The following is an entry in ClinVar:

ClinVar aggregate classification (germline): Uncertain significance (1 of 4 stars; one submission).

gnomAD v4.1: 25 of 1,608,476 alleles (0.0016%); highest among the groups gnomAD compares: Middle Eastern, 0.017%; no homozygotes.

Submission:

Labcorp Genetics (formerly Invitae), Labcorp
Classification: Uncertain significance. Last evaluated: 2025-05-06. Review status: criteria provided, single submitter. Criteria: Invitae Variant Classification Sherloc (09022015). Collection method: clinical testing. Allele origin: germline.
Comment: This sequence change replaces glutamine, which is neutral and polar, with glutamic acid, which is acidic and polar, at codon 69 of the HDAC4 protein (p.Gln69Glu). This variant is present in population databases (rs747047838, gnomAD 0.02%). This variant has not been reported in the literature in individuals affected with HDAC4-related conditions. An algorithm developed to predict the effect of missense changes on protein structure and function (PolyPhen-2) suggests that this variant is likely to be tolerated. In summary, the available evidence is currently insufficient to determine the role of this variant in disease. Therefore, it has been classified as a Variant of Uncertain Significance.

NM_001378414.1(HDAC4):c.205C>G (p.Gln69Glu)

Gene: HDAC4 (histone deacetylase 4; minus strand). Cytogenetic location: 2q37.3.
Variant type: single nucleotide variant.
Coding change: c.205C>G on transcript NM_001378414.1 (MANE Select); coding-DNA position 205, C replaced by G.
Protein change: p.Gln69Glu; replaces glutamine 69 with glutamic acid.
Molecular consequence: missense variant.
Genome position (GRCh38, 1-based): chr2:239,189,967, G>C on the plus strand (C>G on the coding strand, the complement: HDAC4 is on the minus strand). VCF-style: chr2-239189967-G-C. GRCh37 (hg19) VCF-style: chr2-240111663-G-C.
Other names: c.205C>G, p.Gln69Glu (NM_001378415.1, NM_001378416.1, NM_001378417.1 and 1 more transcripts); c.124C>G, p.Gln42Glu (NM_001435991.1, NM_001435992.1, NM_001435994.1 and 1 more transcripts); c.61C>G, p.Gln21Glu (NM_001435993.1); c.190C>G, p.Gln64Glu (NM_001435996.1); short protein forms Q21E, Q42E, Q64E, Q69E.
Identifiers: ClinVar variation 4811036 (VCV004811036.1).